The following is an entry in ClinVar:

NM_006912.6(RIT1):c.173A>G (p.Tyr58Cys)

Gene: RIT1 (Ras like without CAAX 1; minus strand). Cytogenetic location: 1q22.
Variant type: single nucleotide variant.
Coding change: c.173A>G on transcript NM_006912.6 (MANE Select); coding-DNA position 173, A replaced by G.
Protein change: p.Tyr58Cys; replaces tyrosine 58 with cysteine.
Molecular consequence: missense variant.
Genome position (GRCh38, 1-based): chr1:155,904,795, T>C on the plus strand (A>G on the coding strand, the complement: RIT1 is on the minus strand). VCF-style: chr1-155904795-T-C. GRCh37 (hg19) VCF-style: chr1-155874586-T-C.
Other names: c.65A>G, p.Tyr22Cys (NM_001256820.2); c.173A>G (NM_006912.5); c.224A>G, p.Tyr75Cys (NM_001256821.2); short protein forms Y22C, Y58C, Y75C.
Identifiers: ClinVar variation 1779149 (VCV001779149.3), dbSNP rs2527182416, ClinGen allele CA342803547.

ClinVar aggregate classification (germline): Uncertain significance. Review status: criteria provided, multiple submitters, no conflicts (2 of 4 stars). 2 submissions from 2 submitters: Uncertain significance (2). Last evaluated 2026-04-21.

Conditions:
Cardiovascular phenotype. Identifiers: MedGen CN230736.

Allele frequency attached by ClinVar (database versions not stated): gnomAD exomes below 0.00001.
gnomAD v4.1: 1 of 1,609,982 alleles (0.000062%); highest among the groups gnomAD compares: Non-Finnish European, 0.000085%; no homozygotes.

Submissions (2):

GeneDx
Classification: Uncertain significance. Last evaluated: 2026-04-21. Review status: criteria provided, single submitter. Criteria: GeneDx Variant Classification Process June 2021. Collection method: clinical testing. Allele origin: germline.
Comment: Published functional studies suggest a damaging effect with decreased RAF1 binding and inability to activate MAPK signaling (PMID: 37450595); Identified as a paternally inherited variant in an infant with developmental delay and a history of maternal diabetes and polyhydramnios in utero; clinical information was not provided for the father of the proband (PMID: 41330877); Not observed at significant frequency in large population cohorts (gnomAD); In silico analysis supports that this missense variant has a deleterious effect on protein structure/function; This variant is associated with the following publications: (PMID: 37450595, 41330877)

Ambry Genetics
Classification: Uncertain significance for Cardiovascular phenotype. Last evaluated: 2019-02-09. Review status: criteria provided, single submitter. Criteria: Ambry Variant Classification Scheme 2023. Collection method: clinical testing. Allele origin: germline.
Comment: The p.Y58C variant (also known as c.173A>G), located in coding exon 3 of the RIT1 gene, results from an A to G substitution at nucleotide position 173. The tyrosine at codon 58 is replaced by cysteine, an amino acid with highly dissimilar properties. This amino acid position is highly conserved in available vertebrate species. In addition, this alteration is predicted to be deleterious by in silico analysis. Since supporting evidence is limited at this time, the clinical significance of this alteration remains unclear.